The following is an entry in ClinVar:

NM_000038.6(APC):c.7598C>T (p.Ser2533Phe)

Gene: APC (APC regulator of Wnt signaling pathway; plus strand). Cytogenetic location: 5q22.2.
Variant type: single nucleotide variant.
Coding change: c.7598C>T on transcript NM_000038.6 (MANE Select); coding-DNA position 7598, C replaced by T.
Protein change: p.Ser2533Phe; replaces serine 2533 with phenylalanine.
Molecular consequence: missense variant.
Genome position (GRCh38, 1-based): chr5:112,843,192, C>T. VCF-style: chr5-112843192-C-T. GRCh37 (hg19) VCF-style: chr5-112178889-C-T.
Other names: c.7598C>T, p.Ser2533Phe (NM_001127510.3, NM_001354895.2, NM_001407450.1); c.7544C>T, p.Ser2515Phe (NM_001127511.3); c.7652C>T, p.Ser2551Phe (NM_001354896.2, NM_001407447.1, NM_001407448.1 and 1 more transcripts); c.7628C>T, p.Ser2543Phe (NM_001354897.2); c.7523C>T, p.Ser2508Phe (NM_001354898.2); c.7514C>T, p.Ser2505Phe (NM_001354899.2); c.7475C>T, p.Ser2492Phe (NM_001354900.2); c.7421C>T, p.Ser2474Phe (NM_001354901.2, NM_001407453.1); and 11 more; short protein forms S2250F, S2505F, S2508F, S2523F, S2533F, S2543F, S2551F, S2561F.
Identifiers: ClinVar variation 2037515 (VCV002037515.4), dbSNP rs1766520094, ClinGen allele CA16037838.
Genomic context (GRCh38, chr5:112,843,192, plus strand): 5'-CCACTATAGAGTATAATGATGGAAGACCAGCAAAGCGCCATGATATTGCACGGTCTCATT[C>T]TGAAAGTCCTTCTAGACTTCCAATCAATAGGTCAGGAACCTGGAAACGTGAGCACAGCAA-3'
Protein context (NP_000029.2, residues 2523-2543): AKRHDIARSH[Ser2533Phe]ESPSRLPINR

ClinVar aggregate classification (germline): Uncertain significance (1 of 4 stars; one submission).

Conditions:
Familial adenomatous polyposis 1 (FAP1). Also called: POLYPOSIS, ADENOMATOUS INTESTINAL; FAMILIAL ADENOMATOUS POLYPOSIS 1, ATTENUATED. Identifiers: MedGen C2713442, MONDO:0021056, OMIM 175100. Disease mechanism: loss of function.

Submission:

Labcorp Genetics (formerly Invitae), Labcorp
Classification: Uncertain significance for Familial adenomatous polyposis 1. Last evaluated: 2021-12-21. Review status: criteria provided, single submitter. Criteria: Invitae Variant Classification Sherloc (09022015). Collection method: clinical testing. Allele origin: germline.
Comment: In summary, the available evidence is currently insufficient to determine the role of this variant in disease. Therefore, it has been classified as a Variant of Uncertain Significance. Algorithms developed to predict the effect of missense changes on protein structure and function (SIFT, PolyPhen-2, Align-GVGD) all suggest that this variant is likely to be disruptive. This variant has not been reported in the literature in individuals affected with APC-related conditions. This variant is not present in population databases (gnomAD no frequency). This sequence change replaces serine, which is neutral and polar, with phenylalanine, which is neutral and non-polar, at codon 2533 of the APC protein (p.Ser2533Phe).